The following is an entry in ClinVar:

NM_013447.4(ADGRE2):c.2072C>G (p.Pro691Arg)

Gene: ADGRE2 (adhesion G protein-coupled receptor E2; minus strand). Cytogenetic location: 19p13.12.
Variant type: single nucleotide variant.
Coding change: c.2072C>G on transcript NM_013447.4 (MANE Select); coding-DNA position 2072, C replaced by G.
Protein change: p.Pro691Arg; replaces proline 691 with arginine.
Molecular consequence: missense variant.
Genome position (GRCh38, 1-based): chr19:14,746,915, G>C on the plus strand (C>G on the coding strand, the complement: ADGRE2 is on the minus strand). VCF-style: chr19-14746915-G-C. GRCh37 (hg19) VCF-style: chr19-14857727-G-C.
Other names: c.1898C>G, p.Pro633Arg (NM_001271052.1); c.1925C>G, p.Pro642Arg (NM_152916.2); c.1793C>G, p.Pro598Arg (NM_152917.2); short protein forms P642R, P598R, P633R, P691R.
Identifiers: ClinVar variation 2147493 (VCV002147493.4), dbSNP rs371200658, ClinGen allele CA9257504.

ClinVar aggregate classification (germline): Uncertain significance (1 of 4 stars; one submission).

Allele frequency attached by ClinVar (database versions not stated): ExAC 0.00001; gnomAD 0.00002; TOPMed 0.00002; ESP Exome Variant Server 0.00015.
gnomAD v4.1: 13 of 1,613,724 alleles (0.00081%); highest among the groups gnomAD compares: Non-Finnish European, 0.0011%; no homozygotes.

Submission:

Labcorp Genetics (formerly Invitae), Labcorp
Classification: Uncertain significance. Last evaluated: 2026-01-08. Review status: criteria provided, single submitter. Criteria: Invitae Variant Classification Sherloc (09022015). Collection method: clinical testing. Allele origin: germline.
Comment: This sequence change replaces proline, which is neutral and non-polar, with arginine, which is basic and polar, at codon 691 of the ADGRE2 protein (p.Pro691Arg). This variant is not present in population databases (gnomAD no frequency). This variant has not been reported in the literature in individuals affected with ADGRE2-related conditions. ClinVar contains an entry for this variant (Variation ID: 2147493). An algorithm developed to predict the effect of missense changes on protein structure and function (PolyPhen-2) suggests that this variant is likely to be disruptive. In summary, the available evidence is currently insufficient to determine the role of this variant in disease. Therefore, it has been classified as a Variant of Uncertain Significance.